The following is an entry in ClinVar:

NM_015158.5(KANK1):c.528G>A (p.Pro176=)

Gene: KANK1 (KN motif and ankyrin repeat domains 1; plus strand). Cytogenetic location: 9p24.3.
Variant type: single nucleotide variant.
Coding change: c.528G>A on transcript NM_015158.5 (MANE Select); coding-DNA position 528, G replaced by A.
Protein change: p.Pro176=; no amino-acid change (proline 176 retained).
Molecular consequence: synonymous variant. On other transcripts: non-coding transcript variant (1).
Genome position (GRCh38, 1-based): chr9:711,294, G>A. VCF-style: chr9-711294-G-A. GRCh37 (hg19) VCF-style: chr9-711294-G-A.
Other names: c.528G>A, p.Pro176= (NM_001256876.3, NM_001256877.3, NM_001354331.2 and 2 more transcripts); c.54G>A, p.Pro18= (NM_001354333.2, NM_001354335.2, NM_001354336.2 and 9 more transcripts).
Identifiers: ClinVar variation 1623919 (VCV001623919.33), dbSNP rs114347114, ClinGen allele CA4959965.

ClinVar aggregate classification (germline): Benign/Likely benign. Review status: criteria provided, multiple submitters, no conflicts (2 of 4 stars). 3 submissions from 3 submitters: Benign (1); Likely benign (2). Last evaluated 2026-05-01.

Allele frequency attached by ClinVar (database versions not stated): 1000 Genomes Project 30x 0.00078; 1000 Genomes Project 0.00080; TOPMed 0.00116; ESP Exome Variant Server 0.00185; ExAC 0.00205; gnomAD 0.00220 and 0.00232.
gnomAD v4.1: 3,161 of 1,614,154 alleles (0.2%); highest among the groups gnomAD compares: Non-Finnish European, 0.18%; 10 homozygotes.

Submissions (3):

CeGaT Center for Human Genetics Tuebingen
Classification: Likely benign. Last evaluated: 2026-05-01. Review status: criteria provided, single submitter. Criteria: CeGaT Center For Human Genetics Tuebingen Variant Classification Criteria Version 2. Collection method: clinical testing. Allele origin: germline. Affected: yes. Observed: 5 variant alleles.
Comment: KANK1: BP4, BP7

Labcorp Genetics (formerly Invitae), Labcorp
Classification: Benign. Last evaluated: 2026-01-23. Review status: criteria provided, single submitter. Criteria: Invitae Variant Classification Sherloc (09022015). Collection method: clinical testing. Allele origin: germline.

Blueprint Genetics
Classification: Likely benign. Last evaluated: 2024-11-27. Review status: criteria provided, single submitter. Criteria: ACMG Guidelines, 2015. Collection method: clinical testing. Allele origin: germline.